The following is an entry in ClinVar:

ClinVar aggregate classification (germline): Uncertain significance (1 of 4 stars; one submission).

Conditions:
Agammaglobulinemia 4, autosomal recessive (AGM4). Also called: B cell linker protein deficiency; AGAMMAGLOBULINEMIA, AUTOSOMAL RECESSIVE, DUE TO BLNK DEFECT. Identifiers: MedGen C3150752, MONDO:0013289, OMIM 613502.

Submission:

Labcorp Genetics (formerly Invitae), Labcorp
Classification: Uncertain significance for Agammaglobulinemia 4, autosomal recessive. Last evaluated: 2023-04-28. Review status: criteria provided, single submitter. Criteria: Invitae Variant Classification Sherloc (09022015). Collection method: clinical testing. Allele origin: germline.
Comment: In summary, the available evidence is currently insufficient to determine the role of this variant in disease. Therefore, it has been classified as a Variant of Uncertain Significance. An algorithm developed to predict the effect of missense changes on protein structure and function (PolyPhen-2) suggests that this variant is likely to be disruptive. This variant has not been reported in the literature in individuals affected with BLNK-related conditions. This variant is not present in population databases (gnomAD no frequency). This sequence change replaces phenylalanine, which is neutral and non-polar, with serine, which is neutral and polar, at codon 68 of the BLNK protein (p.Phe68Ser).

NM_013314.4(BLNK):c.203T>C (p.Phe68Ser)

Gene: BLNK (B cell linker; minus strand). Cytogenetic location: 10q24.1.
Variant type: single nucleotide variant.
Coding change: c.203T>C on transcript NM_013314.4 (MANE Select); coding-DNA position 203, T replaced by C.
Protein change: p.Phe68Ser; replaces phenylalanine 68 with serine.
Molecular consequence: missense variant. On other transcripts: non-coding transcript variant (4).
Genome position (GRCh38, 1-based): chr10:96,230,795, A>G on the plus strand (T>C on the coding strand, the complement: BLNK is on the minus strand). VCF-style: chr10-96230795-A-G. GRCh37 (hg19) VCF-style: chr10-97990551-A-G.
Other names: c.203T>C, p.Phe68Ser (NM_001114094.2, NM_001258440.2, NM_001258441.2 and 1 more transcripts); short protein forms F68S.
Identifiers: ClinVar variation 2789566 (VCV002789566.3), dbSNP rs1842470599, ClinGen allele CA377727035.